The following is an entry in ClinVar:

NM_001369.3(DNAH5):c.2052+1G>T

Gene: DNAH5 (dynein axonemal heavy chain 5; minus strand). Cytogenetic location: 5p15.2.
Variant type: single nucleotide variant.
Coding change: c.2052+1G>T on transcript NM_001369.3 (MANE Select); the canonical splice donor site of the intron after coding-DNA position 2052, G replaced by T.
Molecular consequence: splice donor variant.
Genome position (GRCh38, 1-based): chr5:13,901,251, C>A on the plus strand (G>T on the coding strand, the complement: DNAH5 is on the minus strand). VCF-style: chr5-13901251-C-A. GRCh37 (hg19) VCF-style: chr5-13901360-C-A.
Identifiers: ClinVar variation 1185018 (VCV001185018.7), dbSNP rs1774569455, ClinGen allele CA359204672.

ClinVar aggregate classification (germline): Likely pathogenic. Review status: criteria provided, multiple submitters, no conflicts (2 of 4 stars). 3 submissions from 3 submitters: Likely pathogenic (3). Last evaluated 2023-10-15.

Conditions:
Primary ciliary dyskinesia 3. Identifiers: Orphanet 244, MedGen C1837618, MONDO:0012085, OMIM 608644.
Primary ciliary dyskinesia. Also called: Ciliary dyskinesia. Identifiers: Orphanet 244, MedGen C0008780, MONDO:0016575, HP:0012265.

Allele frequency attached by ClinVar (database versions not stated): gnomAD exomes below 0.00001; gnomAD 0.00001; TOPMed 0.00001.
gnomAD v4.1: 7 of 1,613,296 alleles (0.00043%); highest among the groups gnomAD compares: Non-Finnish European, 0.00059%; no homozygotes.

Submissions (3):

Labcorp Genetics (formerly Invitae), Labcorp
Classification: Likely pathogenic for Primary ciliary dyskinesia. Last evaluated: 2023-10-15. Review status: criteria provided, single submitter. Criteria: Invitae Variant Classification Sherloc (09022015). Collection method: clinical testing. Allele origin: germline.
Comment: This sequence change affects a donor splice site in intron 14 of the DNAH5 gene. It is expected to disrupt RNA splicing. Variants that disrupt the donor or acceptor splice site typically lead to a loss of protein function (PMID: 16199547), and loss-of-function variants in DNAH5 are known to be pathogenic (PMID: 11788826, 16627867). This variant is not present in population databases (gnomAD no frequency). This variant has not been reported in the literature in individuals affected with DNAH5-related conditions. ClinVar contains an entry for this variant (Variation ID: 1185018). Algorithms developed to predict the effect of sequence changes on RNA splicing suggest that this variant may disrupt the consensus splice site. In summary, the currently available evidence indicates that the variant is pathogenic, but additional data are needed to prove that conclusively. Therefore, this variant has been classified as Likely Pathogenic.

Johns Hopkins Genomics, Johns Hopkins University
Classification: Likely pathogenic for Primary ciliary dyskinesia 3. Last evaluated: 2021-07-27. Review status: criteria provided, single submitter. Criteria: ACMG Guidelines, 2015. Collection method: clinical testing. Allele origin: germline.
Comment: DNAH5 c.2052+1G>T is absent from a large population dataset and has not been reported in ClinVar nor the literature, to our knowledge. This variant destroys the native donor (5') splice site for exon 14 and is predicted to cause aberrant mRNA splicing. We consider DNAH5 c.2052+1G>T to be likely pathogenic.

Ambry Genetics
Classification: Likely pathogenic for Primary ciliary dyskinesia. Last evaluated: 2016-09-09. Review status: criteria provided, single submitter. Criteria: Ambry Variant Classification Scheme 2023. Collection method: clinical testing. Allele origin: germline.
Comment: The c.2052+1G>T intronic variant results from a G to T substitution one nucleotide after coding exon 14 of the DNAH5 gene. This nucleotide position is highly conserved in available vertebrate species. Using the BDGP and ESEfinder splice site prediction tools, this alteration is predicted to abolish the native splice donor site; however, direct evidence is unavailable. Alterations that disrupt the canonical splice site are expected to cause aberrant splicing, resulting in an abnormal protein or a transcript that is subject to nonsense-mediated mRNA decay. As such, this alteration is classified as likely pathogenic.

Literature cited by the submitters: PubMed 16199547 (cited by Labcorp Genetics (formerly Invitae), Labcorp); PubMed 11788826 (cited by Labcorp Genetics (formerly Invitae), Labcorp); PubMed 16627867 (cited by Labcorp Genetics (formerly Invitae), Labcorp).